The following is an entry in ClinVar:

NM_182758.4(WDR72):c.2953-3C>G

Gene: WDR72 (WD repeat domain 72; minus strand). Cytogenetic location: 15q21.3.
Variant type: single nucleotide variant.
Coding change: c.2953-3C>G on transcript NM_182758.4 (MANE Select); 3 bases into the intron before coding-DNA position 2953, C replaced by G.
Molecular consequence: intron variant.
Genome position (GRCh38, 1-based): chr15:53,597,277, G>C on the plus strand (C>G on the coding strand, the complement: WDR72 is on the minus strand). VCF-style: chr15-53597277-G-C. GRCh37 (hg19) VCF-style: chr15-53889474-G-C.
Identifiers: ClinVar variation 3775741 (VCV003775741.1).

ClinVar aggregate classification (germline): Uncertain significance (1 of 4 stars; one submission).

Conditions:
Amelogenesis imperfecta hypomaturation type 2A3. Also called: Amelogenesis imperfecta, type IIA3. Identifiers: Orphanet 88661, MedGen C2750771, MONDO:0013181, OMIM 613211. Disease mechanism: loss of function.

Submission:

3billion
Classification: Uncertain significance for Amelogenesis imperfecta hypomaturation type 2A3. Last evaluated: 2023-07-07. Review status: criteria provided, single submitter. Criteria: ACMG Guidelines, 2015. Collection method: clinical testing. Allele origin: germline. Affected: yes.
Comment: The variant is not observed in the gnomAD v2.1.1 dataset. Predicted Consequence/Location: Intron variant In silico tools predict the variant to alter splicing and produce an abnormal transcript (SpliceAI: 0.82). Therefore, this variant is classified as VUS according to the recommendation of ACMG/AMP guideline.